The following is an entry in ClinVar:

NM_005445.4(SMC3):c.1892T>C (p.Leu631Pro)

Gene: SMC3 (structural maintenance of chromosomes 3; plus strand). Cytogenetic location: 10q25.2.
Variant type: single nucleotide variant.
Coding change: c.1892T>C on transcript NM_005445.4 (MANE Select); coding-DNA position 1892, T replaced by C.
Protein change: p.Leu631Pro; replaces leucine 631 with proline.
Molecular consequence: missense variant.
Genome position (GRCh38, 1-based): chr10:110,593,152, T>C. VCF-style: chr10-110593152-T-C. GRCh37 (hg19) VCF-style: chr10-112352910-T-C.
Other names: short protein forms L631P.
Identifiers: ClinVar variation 2735489 (VCV002735489.3), dbSNP rs2493131897, ClinGen allele CA378390443.

ClinVar aggregate classification (germline): Pathogenic (1 of 4 stars; one submission).

Conditions:
Cornelia de Lange syndrome 3 (CDLS3). Also called: SMC3-Related Cornelia de Lange Syndrome; CORNELIA DE LANGE SYNDROME 3 WITH OR WITHOUT MIDLINE BRAIN DEFECTS. Identifiers: Orphanet 199, MedGen C1853099, MONDO:0012555, OMIM 610759.

Submission:

Labcorp Genetics (formerly Invitae), Labcorp
Classification: Pathogenic for Cornelia de Lange syndrome 3. Last evaluated: 2022-12-29. Review status: criteria provided, single submitter. Criteria: Invitae Variant Classification Sherloc (09022015). Collection method: clinical testing. Allele origin: germline.
Comment: This sequence change replaces leucine, which is neutral and non-polar, with proline, which is neutral and non-polar, at codon 631 of the SMC3 protein (p.Leu631Pro). For these reasons, this variant has been classified as Pathogenic. Advanced modeling of protein sequence and biophysical properties (such as structural, functional, and spatial information, amino acid conservation, physicochemical variation, residue mobility, and thermodynamic stability) performed at Invitae indicates that this missense variant is expected to disrupt SMC3 protein function. This missense change has been observed in individual(s) with clinical features of Cornelia de Lange syndrome (PMID: 26633542, 31038196; Invitae). In at least one individual the variant was observed to be de novo. This variant is not present in population databases (gnomAD no frequency).

Literature cited by the submitters: PubMed 26633542; PubMed 31038196.